The following is an entry in ClinVar:

NM_022132.5(MCCC2):c.562C>T (p.Arg188Ter)

Gene: MCCC2 (methylcrotonyl-CoA carboxylase subunit 2; plus strand). Cytogenetic location: 5q13.2.
Variant type: single nucleotide variant.
Coding change: c.562C>T on transcript NM_022132.5 (MANE Select); coding-DNA position 562, C replaced by T.
Protein change: p.Arg188Ter; replaces arginine 188 with a stop codon.
Molecular consequence: nonsense.
Genome position (GRCh38, 1-based): chr5:71,604,406, C>T. VCF-style: chr5-71604406-C-T. GRCh37 (hg19) VCF-style: chr5-70900233-C-T.
Other names: c.562C>T, p.Arg188Ter (NM_001363147.1); short protein forms R188*.
Identifiers: ClinVar variation 841748 (VCV000841748.15), dbSNP rs774180632, ClinGen allele CA3297808.
Genomic context (GRCh38, chr5:71,604,406, plus strand): 5'-TTGTCTTCAGTTGATTCGGGAGGAGCATACTTACCTCGACAAGCAGATGTGTTTCCAGAT[C>T]GAGACCACTTTGGCCGTACATTCTATAATCAGGCAATTATGTCTTCTAAAAATATTGCAC-3'

ClinVar aggregate classification (germline): Pathogenic/Likely pathogenic. Review status: criteria provided, multiple submitters, no conflicts (2 of 4 stars). 4 submissions from 4 submitters: Pathogenic (3); Likely pathogenic (1). Last evaluated 2025-06-20.

Conditions:
3-methylcrotonyl-CoA carboxylase 2 deficiency. Also called: 3 alpha methylcrotonyl-CoA carboxylase 2 deficiency; 3 alpha methylcrotonylglycinuria 2; MCC 2 deficiency; Methylcrotonylglycinuria type 2; METHYLCROTONYLGLYCINURIA, TYPE II. Identifiers: Orphanet 6, MedGen C1859499, MONDO:0008862, OMIM 210210.

Allele frequency attached by ClinVar (database versions not stated): TOPMed below 0.00001; ExAC 0.00001; gnomAD 0.00001; gnomAD exomes 0.00001.
gnomAD v4.1: 7 of 1,613,940 alleles (0.00043%); highest among the groups gnomAD compares: Admixed American, 0.0017%; no homozygotes.

Submissions (4):

Natera, Inc.
Classification: Likely pathogenic for 3-methylcrotonyl-CoA carboxylase 2 deficiency. Last evaluated: 2025-06-20. Review status: criteria provided, single submitter. Criteria: Natera Variant Classification Schema (03/2026). Collection method: clinical testing. Allele origin: germline.
Comment: The c.562C>T variant in MCCC2 is a nonsense variant predicted to introduce a stop codon at amino acid 188. This variant is expected to result in nonsense mediated decay, truncation, or a dysfunctional protein product. This variant is rare in the general population with a frequency below the threshold expected for the associated phenotype(s). Given the available evidence, this variant is classified as Likely Pathogenic.

Myriad Genetics, Inc.
Classification: Pathogenic for 3-methylcrotonyl-CoA carboxylase 2 deficiency. Last evaluated: 2024-04-25. Review status: criteria provided, single submitter. Criteria: Myriad Autosomal Dominant, Autosomal Recessive and X-Linked Classification Criteria (2023). Collection method: clinical testing. Allele origin: unknown.
Comment: NM_022132.4(MCCC2):c.562C>T(R188*) is expected to be pathogenic in the context of 3-methylcrotonyl-CoA carboxylase deficiency, MCCC2-related. This variant is predicted to lead to an abnormal or absent protein product due to the creation of a premature termination codon in MCCC2, a gene where loss-of-function variants are known to be pathogenic. Please note: this variant was assessed in the context of healthy population screening.

Labcorp Genetics (formerly Invitae), Labcorp
Classification: Pathogenic for 3-methylcrotonyl-CoA carboxylase 2 deficiency. Last evaluated: 2024-01-04. Review status: criteria provided, single submitter. Criteria: Invitae Variant Classification Sherloc (09022015). Collection method: clinical testing. Allele origin: germline.
Comment: This sequence change creates a premature translational stop signal (p.Arg188*) in the MCCC2 gene. It is expected to result in an absent or disrupted protein product. Loss-of-function variants in MCCC2 are known to be pathogenic (PMID: 11181649, 22642865). This variant is present in population databases (rs774180632, gnomAD 0.006%). This premature translational stop signal has been observed in individual(s) with 3 methylcrotonyl-CoA carboxylase deficiency (PMID: 27033733, 31901042). ClinVar contains an entry for this variant (Variation ID: 841748). For these reasons, this variant has been classified as Pathogenic.

Juno Genomics, Hangzhou Juno Genomics, Inc
Classification: Pathogenic for 3-methylcrotonyl-CoA carboxylase 2 deficiency. Review status: criteria provided, single submitter. Criteria: ACMG Guidelines, 2015. Collection method: clinical testing. Allele origin: germline. Affected: yes.
Comment: Absent from controls (or at extremely low frequency if recessive) in Genome Aggregation Database, Exome Sequencing Project, 1000 Genomes Project, or Exome Aggregation Consortium.;Null variant in a gene where loss of function (LOF) is a known mechanism of disease.;For recessive disorders, detected in trans with a pathogenic variant.

Literature cited by the submitters: PubMed 11181649 (cited by Labcorp Genetics (formerly Invitae), Labcorp); PubMed 22642865 (cited by Labcorp Genetics (formerly Invitae), Labcorp); PubMed 27033733 (cited by Labcorp Genetics (formerly Invitae), Labcorp); PubMed 31901042 (cited by Labcorp Genetics (formerly Invitae), Labcorp).